The following is an entry in ClinVar:

NM_199420.4(POLQ):c.2185A>G (p.Ile729Val)

Gene: POLQ (DNA polymerase theta; minus strand). Cytogenetic location: 3q13.33.
Variant type: single nucleotide variant.
Coding change: c.2185A>G on transcript NM_199420.4 (MANE Select); coding-DNA position 2185, A replaced by G.
Protein change: p.Ile729Val; replaces isoleucine 729 with valine.
Molecular consequence: missense variant.
Genome position (GRCh38, 1-based): chr3:121,496,901, T>C on the plus strand (A>G on the coding strand, the complement: POLQ is on the minus strand). VCF-style: chr3-121496901-T-C. GRCh37 (hg19) VCF-style: chr3-121215748-T-C.
Other names: short protein forms I729V.
Identifiers: ClinVar variation 3308715 (VCV003308715.1).

ClinVar aggregate classification (germline): Uncertain significance (1 of 4 stars; one submission).

Submission:

Ambry Genetics
Classification: Uncertain significance. Last evaluated: 2024-06-06. Review status: criteria provided, single submitter. Criteria: Ambry Variant Classification Scheme 2023. Collection method: clinical testing. Allele origin: germline.
Comment: The p.I729V variant (also known as c.2185A>G), located in coding exon 14 of the POLQ gene, results from an A to G substitution at nucleotide position 2185. The isoleucine at codon 729 is replaced by valine, an amino acid with highly similar properties. This amino acid position is conserved. In addition, this alteration is predicted to be tolerated by in silico analysis. Based on the available evidence, the clinical significance of this variant remains unclear.